The following is an entry in ClinVar:

NM_000540.3(RYR1):c.318C>A (p.Ile106=)

Gene: RYR1 (ryanodine receptor 1; plus strand). Cytogenetic location: 19q13.2.
Variant type: single nucleotide variant.
Coding change: c.318C>A on transcript NM_000540.3 (MANE Select); coding-DNA position 318, C replaced by A.
Protein change: p.Ile106=; no amino-acid change (isoleucine 106 retained).
Molecular consequence: synonymous variant.
Genome position (GRCh38, 1-based): chr19:38,443,605, C>A. VCF-style: chr19-38443605-C-A. GRCh37 (hg19) VCF-style: chr19-38934245-C-A.
Other names: c.318C>A, p.Ile106= (NM_001042723.2).
Identifiers: ClinVar variation 2742517 (VCV002742517.5), dbSNP rs1388550300, ClinGen allele CA507239124.
Genomic context (GRCh38, chr19:38,443,605, plus strand): 5'-CCTCCCCCTGCAGTCATCCCAGGGCGGGGGACACAGGACGCTCCTGTATGGCCATGCCAT[C>A]CTGCTCCGGCATGCACACAGCCGCATGGTGAGTGCAACCTCGGTGGGCGTGGGCAGGGGC-3'
Protein context (NP_000531.2, residues 96-116): GHRTLLYGHA[Ile106=]LLRHAHSRMY

ClinVar aggregate classification (germline): Likely benign. Review status: criteria provided, multiple submitters, no conflicts (2 of 4 stars). 3 submissions from 3 submitters: Likely benign (3). Last evaluated 2025-09-28.

Conditions:
Malignant hyperthermia, susceptibility to, 1 (MHS1). Also called: Anesthesia related hyperthermia; Malignant hyperpyrexia; Fulminating hyperpyrexia; Pharmacogenic myopathy; Malignant hyperthermia suceptibility 1; RYR1-Related Malignant Hyperthermia Susceptibility. Identifiers: Orphanet 423, MedGen C2930980, MONDO:0007783, OMIM 145600.
RYR1-related disorder. Also called: RYR1-related condition; RYR1-related disorders. Identifiers: MedGen CN239331.

gnomAD v4.1: 1 of 1,614,114 alleles (0.000062%); highest among the groups gnomAD compares: Non-Finnish European, 0.000085%; no homozygotes.

Submissions (3):

Labcorp Genetics (formerly Invitae), Labcorp
Classification: Likely benign for RYR1-related disorder. Last evaluated: 2025-09-28. Review status: criteria provided, single submitter. Criteria: Invitae Variant Classification Sherloc (09022015). Collection method: clinical testing. Allele origin: germline.

All of Us Research Program, National Institutes of Health
Classification: Likely benign for Malignant hyperthermia, susceptibility to, 1. Last evaluated: 2023-11-02. Review status: criteria provided, single submitter. Criteria: ACMG Guidelines, 2015. Collection method: clinical testing. Allele origin: germline. Inheritance: Autosomal dominant inheritance. Observed: 2 variant alleles, 2 heterozygotes.
Comment: This study involves interpretation of variants in research participants for the purpose of population health screening. Participant phenotype was not available at the time of variant classification. Additional details can be found in publication PMID: 35346344, PMCID: PMC8962531

Color Diagnostics, LLC DBA Color Health
Classification: Likely benign for Malignant hyperthermia, susceptibility to, 1. Last evaluated: 2022-11-06. Review status: criteria provided, single submitter. Criteria: ACMG Guidelines, 2015. Collection method: clinical testing. Allele origin: germline.